The following is an entry in ClinVar:

NM_024996.7(GFM1):c.788A>G (p.Gln263Arg)

Gene: GFM1 (G elongation factor mitochondrial 1; plus strand). Cytogenetic location: 3q25.32.
Variant type: single nucleotide variant.
Coding change: c.788A>G on transcript NM_024996.7 (MANE Select); coding-DNA position 788, A replaced by G.
Protein change: p.Gln263Arg; replaces glutamine 263 with arginine.
Molecular consequence: missense variant. On other transcripts: non-coding transcript variant (4).
Genome position (GRCh38, 1-based): chr3:158,652,194, A>G. VCF-style: chr3-158652194-A-G. GRCh37 (hg19) VCF-style: chr3-158369983-A-G.
Other names: c.845A>G (NM_001308164.1); c.845A>G, p.Gln282Arg (NM_001308164.2, NM_001374355.1); c.788A>G, p.Gln263Arg (NM_001308166.2); c.671A>G, p.Gln224Arg (NM_001374356.1); c.563A>G, p.Gln188Arg (NM_001374357.1); c.329A>G, p.Gln110Arg (NM_001374358.1); c.221A>G, p.Gln74Arg (NM_001374359.1, NM_001374360.1); c.104A>G, p.Gln35Arg (NM_001374361.1); short protein forms Q282R, Q224R, Q263R, Q110R, Q188R, Q35R, Q74R.
Identifiers: ClinVar variation 714234 (VCV000714234.44), dbSNP rs115984741, ClinGen allele CA2682421.

ClinVar aggregate classification (germline): Benign/Likely benign. Review status: criteria provided, multiple submitters, no conflicts (2 of 4 stars). 6 submissions from 6 submitters: Benign (1); Likely benign (2). 3 of the submissions do not count toward it. Last evaluated 2026-01-27.

Conditions:
Hepatoencephalopathy due to combined oxidative phosphorylation defect type 1. Also called: HEPATOENCEPHALOPATHY, EARLY FATAL PROGRESSIVE. Identifiers: Orphanet 137681, MedGen C1836797, MONDO:0012191, OMIM 609060.
GFM1-related disorder. Also called: GFM1-related condition.

Allele frequency attached by ClinVar (database versions not stated): 1000 Genomes Project 30x 0.00172; TOPMed 0.00173; gnomAD exomes 0.00015 and 0.00041; ExAC 0.00052; gnomAD 0.00147 and 0.00158; 1000 Genomes Project 0.00160; ESP Exome Variant Server 0.00161.
gnomAD v4.1: 445 of 1,614,128 alleles (0.028%); highest among the groups gnomAD compares: African/African-American, 0.52%; 2 homozygotes.

Submissions (6):

Labcorp Genetics (formerly Invitae), Labcorp
Classification: Benign. Last evaluated: 2026-01-27. Review status: criteria provided, single submitter. Criteria: Invitae Variant Classification Sherloc (09022015). Collection method: clinical testing. Allele origin: germline.

CeGaT Center for Human Genetics Tuebingen
Classification: Likely benign. Last evaluated: 2022-10-01. Review status: criteria provided, single submitter. Criteria: CeGaT Center For Human Genetics Tuebingen Variant Classification Criteria Version 2. Collection method: clinical testing. Allele origin: germline. Affected: yes. Observed: 1 variant allele.
Comment: GFM1: BP4

GeneDx
Classification: Likely benign. Last evaluated: 2020-02-26. Review status: criteria provided, single submitter. Criteria: GeneDx Variant Classification Process June 2021. Collection method: clinical testing. Allele origin: germline. Affected: yes.

PreventionGenetics, part of Exact Sciences
Classification: Likely benign for GFM1-related condition. Last evaluated: 2022-12-22. Review status: no assertion criteria provided. Collection method: clinical testing. Allele origin: germline. Not counted in ClinVar's aggregate classification.
Comment: This variant is classified as likely benign based on ACMG/AMP sequence variant interpretation guidelines (Richards et al. 2015 PMID: 25741868, with internal and published modifications).

Natera, Inc.
Classification: Likely benign for Combined oxidative phosphorylation deficiency 1. Last evaluated: 2019-11-11. Review status: no assertion criteria provided. Collection method: clinical testing. Allele origin: germline. Not counted in ClinVar's aggregate classification.

Department of Pathology and Laboratory Medicine, Sinai Health System
Classification: Uncertain significance. Review status: no assertion criteria provided. Collection method: clinical testing. Allele origin: unknown. Affected: yes. Study: The Canadian Open Genetics Repository (COGR). Not counted in ClinVar's aggregate classification.
Comment: The GFM1 p.Gln263Arg variant was not identified in the literature nor was it identified in ClinVar or Cosmic. The variant was identified in dbSNP (ID: rs115984741) and LOVD 3.0 databases. The variant was identified in control databases in 147 of 282872 chromosomes (1 homozygous) at a frequency of 0.00052 increasing the likelihood this could be a low frequency benign variant (Genome Aggregation Database Feb 27, 2017). The variant was observed in the following populations: African in 136 of 24964 chromosomes (freq: 0.005448), Latino in 11 of 35440 chromosomes (freq: 0.00031), while the variant was not observed in the Ashkenazi Jewish, East Asian, European (Finnish), European (non-Finnish), Other, and South Asian populations. The variant is located within the protein synthesis factor, GTP-binding translation elongation factor EFG/EF2 functional domain(s) increasing the likelihood that it may have clinical significance. The p.Gln263 residue is conserved in mammals but not in more distantly related organisms. Computational analyses (PolyPhen-2, SIFT, AlignGVGD, BLOSUM, MutationTaster) do not suggest a high likelihood of impact to the protein; this information is not predictive enough to rule out pathogenicity. The variant occurs outside of the splicing consensus sequence and 1 of 4 in silico or computational prediction software programs (NNSPLICE) predicts a greater than 10% difference in splicing (decreased 5' splicing activity near the variant location); this is not very predictive of pathogenicity. In summary, based on the above information the clinical significance of this variant cannot be determined with certainty at this time. This variant is classified as a variant of uncertain significance.